The following is an entry in ClinVar:

NM_194248.3(OTOF):c.710G>A (p.Arg237Gln)

Gene: OTOF (otoferlin; minus strand). Cytogenetic location: 2p23.3.
Variant type: single nucleotide variant.
Coding change: c.710G>A on transcript NM_194248.3 (MANE Select); coding-DNA position 710, G replaced by A.
Protein change: p.Arg237Gln; replaces arginine 237 with glutamine.
Molecular consequence: missense variant.
Genome position (GRCh38, 1-based): chr2:26,502,300, C>T on the plus strand (G>A on the coding strand, the complement: OTOF is on the minus strand). VCF-style: chr2-26502300-C-T. GRCh37 (hg19) VCF-style: chr2-26725168-C-T.
Other names: c.710G>A, p.Arg237Gln (NM_001287489.2); short protein forms R237Q.
Identifiers: ClinVar variation 3781006 (VCV003781006.1).

ClinVar aggregate classification (germline): Uncertain significance (1 of 4 stars; one submission).

gnomAD v4.1: 39 of 1,613,936 alleles (0.0024%); highest among the groups gnomAD compares: Admixed American, 0.03%; no homozygotes.

Submission:

GeneDx
Classification: Uncertain significance. Last evaluated: 2024-10-18. Review status: criteria provided, single submitter. Criteria: GeneDx Variant Classification Process June 2021. Collection method: clinical testing. Allele origin: germline. Affected: yes.
Comment: In silico analysis indicates that this missense variant does not alter protein structure/function; Has not been previously published as pathogenic or benign to our knowledge